The following is an entry in ClinVar:

NM_000465.4(BARD1):c.1396-5A>T

Gene: BARD1 (BRCA1 associated RING domain 1; minus strand). Cytogenetic location: 2q35.
Variant type: single nucleotide variant.
Coding change: c.1396-5A>T on transcript NM_000465.4 (MANE Select); 5 bases into the intron before coding-DNA position 1396, A replaced by T.
Molecular consequence: intron variant.
Genome position (GRCh38, 1-based): chr2:214,767,659, T>A on the plus strand (A>T on the coding strand, the complement: BARD1 is on the minus strand). VCF-style: chr2-214767659-T-A. GRCh37 (hg19) VCF-style: chr2-215632383-T-A.
Other names: c.159-15104A>T (NM_001282548.2); c.1339-5A>T (NM_001282543.2); c.216-15104A>T (NM_001282545.2); c.364+24638A>T (NM_001282549.2); c.1396-5A>T (NM_000465.2).
Identifiers: ClinVar variation 3378889 (VCV003378889.2).

ClinVar aggregate classification (germline): Conflicting classifications of pathogenicity. Review status: criteria provided, conflicting classifications (1 of 4 stars). 2 submissions from 2 submitters: Uncertain significance (1); Likely benign (1). Last evaluated 2025-09-10.

Conditions:
Hereditary cancer-predisposing syndrome. Also called: Neoplastic Syndromes, Hereditary; Tumor predisposition; Hereditary Cancer Syndrome; Hereditary neoplastic syndrome. Identifiers: Orphanet 140162, MedGen C0027672, MeSH D009386, MONDO:0015356.
Familial cancer of breast. Also called: hereditary breast carcinoma; Hereditary breast cancer; BREAST CANCER, FAMILIAL. Identifiers: Orphanet 227535, MedGen C0346153, MONDO:0016419, OMIM 114480. Disease mechanism: loss of function.

Submissions (2):

Ambry Genetics
Classification: Uncertain significance for Hereditary cancer-predisposing syndrome. Last evaluated: 2025-09-10. Review status: criteria provided, single submitter. Criteria: Ambry Variant Classification Scheme 2023. Collection method: clinical testing. Allele origin: germline.
Comment: The c.1396-5A>T intronic variant results from an A to T substitution 5 nucleotides upstream from coding exon 6 in the BARD1 gene. This nucleotide position is well conserved in available vertebrate species. In silico splice site analysis predicts that this alteration will not have any significant effect on splicing. Based on the available evidence, the clinical significance of this variant remains unclear.

Myriad Genetics, Inc.
Classification: Likely benign for Familial cancer of breast. Last evaluated: 2024-07-25. Review status: criteria provided, single submitter. Criteria: Myriad Autosomal Dominant, Autosomal Recessive and X-Linked Classification Criteria (2023). Collection method: clinical testing. Allele origin: unknown.
Comment: This variant is considered likely benign. This variant is intronic and is not expected to impact mRNA splicing.